The following is an entry in ClinVar:

NM_003922.4(HERC1):c.7599del (p.Ile2534fs)

Gene: HERC1 (HECT and RLD domain containing E3 ubiquitin protein ligase family member 1; minus strand). Cytogenetic location: 15q22.31.
Variant type: Deletion.
Coding change: c.7599del on transcript NM_003922.4 (MANE Select); coding-DNA position 7599, one base deleted (G; older notation c.7599delG).
Protein change: p.Ile2534fs; shifts the reading frame from isoleucine 2534.
Molecular consequence: frameshift variant.
Genome position (GRCh38, 1-based): chr15:63,674,589, C deleted on the plus strand (G on the coding strand, the reverse complement: HERC1 is on the minus strand). VCF-style (leftmost placement, unchanged base first): chr15-63674588-TC-T. GRCh37 (hg19) VCF-style: chr15-63966787-TC-T.
Other names: short protein forms I2534fs.
Identifiers: ClinVar variation 4851796 (VCV004851796.1).

ClinVar aggregate classification (germline): Likely pathogenic (1 of 4 stars; one submission).

Submission:

Dasa
Classification: Likely pathogenic. Last evaluated: 2024-07-25. Review status: criteria provided, single submitter. Criteria: DASA Assertion Criteria. Collection method: clinical testing. Allele origin: germline.
Comment: NM_003922.4(HERC1):c.7599del (p.Ile2534Tyrfs*33) introduces a premature termination codon predicted to result in loss of normal protein function. Loss-of-function is an established mechanism of disease for this gene. Based on the available data, this variant is classified as likely pathogenic.